The following is an entry in ClinVar:

ClinVar aggregate classification (germline): Pathogenic (1 of 4 stars; one submission).

Conditions:
Tumor predisposition syndrome 3 (TPDS3). Also called: Melanoma, cutaneous malignant, susceptibility to, 10; Glioma susceptibility 9; LONG TELOMERE SYNDROME, POT1-RELATED; POT1 Tumor Predisposition. Identifiers: Orphanet 618, MedGen C4014476, MONDO:0014368, OMIM 615848.

Submission:

Labcorp Genetics (formerly Invitae), Labcorp
Classification: Pathogenic for Tumor predisposition syndrome 3. Last evaluated: 2023-08-10. Review status: criteria provided, single submitter. Criteria: Invitae Variant Classification Sherloc (09022015). Collection method: clinical testing. Allele origin: germline.
Comment: For these reasons, this variant has been classified as Pathogenic. This variant has not been reported in the literature in individuals affected with POT1-related conditions. This variant is not present in population databases (gnomAD no frequency). This sequence change creates a premature translational stop signal (p.Thr58*) in the POT1 gene. It is expected to result in an absent or disrupted protein product. Loss-of-function variants in POT1 are known to be pathogenic (PMID: 32155570).

Literature cited by the submitters: PubMed 32155570.

NM_015450.3(POT1):c.169_170dup (p.Leu57_Thr58insTer)

Gene: POT1 (protection of telomeres 1; minus strand). Cytogenetic location: 7q31.33.
Variant type: Duplication.
Coding change: c.169_170dup on transcript NM_015450.3 (MANE Select); coding-DNA positions 169 to 170, 2 bases duplicated (CT; older notation c.169_170dupCT).
Protein change: p.Leu57_Thr58insTer.
Molecular consequence: frameshift variant. On other transcripts: non-coding transcript variant (3), intron variant (1).
Genome position (GRCh38, 1-based): chr7:124,870,996-124,870,997, AG duplicated on the plus strand (CT on the coding strand, the reverse complement: POT1 is on the minus strand). VCF-style (leftmost placement, unchanged base first): chr7-124870995-T-TAG. GRCh37 (hg19) VCF-style: chr7-124511049-T-TAG.
Other names: c.-138-7357_-138-7356dup (NM_001042594.2).
Identifiers: ClinVar variation 2961866 (VCV002961866.3), dbSNP rs2485505108, ClinGen allele CA2740097574.